The following is an entry in ClinVar:

ClinVar aggregate classification (germline): Uncertain significance (1 of 4 stars; one submission).

Conditions:
Cardiovascular phenotype. Identifiers: MedGen CN230736.

gnomAD v4.1: 2 of 1,613,514 alleles (0.00012%); highest among the groups gnomAD compares: Non-Finnish European, 0.00017%; no homozygotes.

Submission:

Ambry Genetics
Classification: Uncertain significance for Cardiovascular phenotype. Last evaluated: 2024-04-05. Review status: criteria provided, single submitter. Criteria: Ambry Variant Classification Scheme 2023. Collection method: clinical testing. Allele origin: germline.
Comment: The p.A11E variant (also known as c.32C>A), located in coding exon 1 of the TBX5 gene, results from a C to A substitution at nucleotide position 32. The alanine at codon 11 is replaced by glutamic acid, an amino acid with dissimilar properties. This amino acid position is conserved. In addition, this alteration is predicted to be tolerated by in silico analysis. Based on the available evidence, the clinical significance of this variant remains unclear.

NM_181486.4(TBX5):c.32C>A (p.Ala11Glu)

Gene: TBX5 (T-box transcription factor 5; minus strand). Cytogenetic location: 12q24.21.
Variant type: single nucleotide variant.
Coding change: c.32C>A on transcript NM_181486.4 (MANE Select); coding-DNA position 32, C replaced by A.
Protein change: p.Ala11Glu; replaces alanine 11 with glutamic acid.
Molecular consequence: missense variant. On other transcripts: intron variant (1).
Genome position (GRCh38, 1-based): chr12:114,403,867, G>T on the plus strand (C>A on the coding strand, the complement: TBX5 is on the minus strand). VCF-style: chr12-114403867-G-T. GRCh37 (hg19) VCF-style: chr12-114841672-G-T.
Other names: c.32C>A, p.Ala11Glu (NM_000192.3); c.-3-1947C>A (NM_080717.4); short protein forms A11E.
Identifiers: ClinVar variation 3324880 (VCV003324880.1).